The following is an entry in ClinVar:

NM_000179.3(MSH6):c.1651_1826dup (p.Leu609_Lys610insAlaIleLeuValHisMetValCysAlaLeuLeuIleLeuHisTrpGluSerPheSerTer)

Gene: MSH6 (mutS homolog 6; plus strand). Cytogenetic location: 2p16.3.
Variant type: Duplication.
Coding change: c.1651_1826dup on transcript NM_000179.3 (MANE Select); coding-DNA positions 1651 to 1826, 176 bases duplicated.
Protein change: p.Leu609_Lys610insAlaIleLeuValHisMetValCysAlaLeuLeuIleLeuHisTrpGluSerPheSerTer.
Molecular consequence: nonsense. On other transcripts: non-coding transcript variant (4), intron variant (2).
Genome position (GRCh38, 1-based): chr2:47,799,634-47,799,809, 176 bases duplicated. GRCh37 (hg19): chr2:48,026,773-48,026,948.
Other names: c.1261_1436dup, p.Leu479_Lys480insAlaIleLeuValHisMetValCysAlaLeuLeuIleLeuHisTrpGluSerPheSerTer (NM_001281492.2); c.745_920dup, p.Leu307_Lys308insAlaIleLeuValHisMetValCysAlaLeuLeuIleLeuHisTrpGluSerPheSerTer (NM_001281493.2, NM_001281494.2, NM_001406811.1 and 6 more transcripts); c.1747_1922dup, p.Leu641_Lys642insAlaIleLeuValHisMetValCysAlaLeuLeuIleLeuHisTrpGluSerPheSerTer (NM_001406795.1, NM_001406802.1); c.1651_1826dup, p.Leu609_Lys610insAlaIleLeuValHisMetValCysAlaLeuLeuIleLeuHisTrpGluSerPheSerTer (NM_001406796.1, NM_001406798.1, NM_001406800.1 and 3 more transcripts); c.1354_1529dup, p.Leu510_Lys511insAlaIleLeuValHisMetValCysAlaLeuLeuIleLeuHisTrpGluSerPheSerTer (NM_001406797.1, NM_001406801.1, NM_001406805.1 and 10 more transcripts); c.1126_1301dup, p.Leu434_Lys435insAlaIleLeuValHisMetValCysAlaLeuLeuIleLeuHisTrpGluSerPheSerTer (NM_001406799.1, NM_001406806.1, NM_001406807.1); c.1573_1748dup, p.Leu583_Lys584insAlaIleLeuValHisMetValCysAlaLeuLeuIleLeuHisTrpGluSerPheSerTer (NM_001406804.1); c.1657_1832dup, p.Leu611_Lys612insAlaIleLeuValHisMetValCysAlaLeuLeuIleLeuHisTrpGluSerPheSerTer (NM_001406813.1); and 4 more.
Identifiers: ClinVar variation 3647285 (VCV003647285.3).

ClinVar aggregate classification (germline): Pathogenic. Review status: criteria provided, multiple submitters, no conflicts (2 of 4 stars). 2 submissions from 2 submitters: Pathogenic (2). Last evaluated 2025-07-09.

Conditions:
Hereditary nonpolyposis colorectal neoplasms. Identifiers: MedGen C0009405, MeSH D003123.
Hereditary cancer-predisposing syndrome. Also called: Neoplastic Syndromes, Hereditary; Tumor predisposition; Hereditary neoplastic syndrome; Hereditary Cancer Syndrome. Identifiers: Orphanet 140162, MedGen C0027672, MeSH D009386, MONDO:0015356.

Submissions (2):

Ambry Genetics
Classification: Pathogenic for Hereditary cancer-predisposing syndrome. Last evaluated: 2025-07-09. Review status: criteria provided, single submitter. Criteria: Ambry Variant Classification Scheme 2023. Collection method: clinical testing. Allele origin: germline.
Comment: The c.1651_1826dup176 pathogenic mutation, located in coding exon 4 of the MSH6 gene, results from a duplication of 176 nucleotides between nucleotide positions 1651 to 1826, causing a translational frameshift with a predicted alternate stop codon (p.K610Afs*20). This variant is considered to be rare based on population cohorts in the Genome Aggregation Database (gnomAD). This alteration is expected to result in loss of function by premature protein truncation or nonsense-mediated mRNA decay. As such, this alteration is interpreted as a disease-causing mutation.

Labcorp Genetics (formerly Invitae), Labcorp
Classification: Pathogenic for Hereditary nonpolyposis colorectal neoplasms. Last evaluated: 2024-12-23. Review status: criteria provided, single submitter. Criteria: Invitae Variant Classification Sherloc (09022015). Collection method: clinical testing. Allele origin: germline.
Comment: This sequence change creates a premature translational stop signal (p.Lys610Alafs*20) in the MSH6 gene. It is expected to result in an absent or disrupted protein product. Loss-of-function variants in MSH6 are known to be pathogenic (PMID: 18269114, 24362816). This variant is not present in population databases (gnomAD no frequency). This variant has not been reported in the literature in individuals affected with MSH6-related conditions. For these reasons, this variant has been classified as Pathogenic.

Literature cited by the submitters: PubMed 18269114 (cited by Labcorp Genetics (formerly Invitae), Labcorp); PubMed 24362816 (cited by Labcorp Genetics (formerly Invitae), Labcorp).